The following is an entry in ClinVar:

ClinVar aggregate classification (germline): Uncertain significance. Review status: criteria provided, single submitter (1 of 4 stars). 2 submissions from 2 submitters: Uncertain significance (1). 1 of the submissions does not count toward it. Last evaluated 2024-12-18.

Conditions:
FLNB-related disorder. Also called: FLNB-related disorders; FLNB-related condition. Identifiers: MedGen CN381095.

Allele frequency attached by ClinVar (database versions not stated): gnomAD 0.00001; TOPMed 0.00001; gnomAD exomes 0.00002; ESP Exome Variant Server 0.00008.
gnomAD v4.1: 35 of 1,613,968 alleles (0.0022%); highest among the groups gnomAD compares: Non-Finnish European, 0.0026%; no homozygotes.

Submissions (2):

Labcorp Genetics (formerly Invitae), Labcorp
Classification: Uncertain significance. Last evaluated: 2024-12-18. Review status: criteria provided, single submitter. Criteria: Invitae Variant Classification Sherloc (09022015). Collection method: clinical testing. Allele origin: germline.
Comment: This sequence change replaces arginine, which is basic and polar, with glycine, which is neutral and non-polar, at codon 2205 of the FLNB protein (p.Arg2205Gly). This variant is present in population databases (rs145233541, gnomAD 0.0009%). This variant has not been reported in the literature in individuals affected with FLNB-related conditions. ClinVar contains an entry for this variant (Variation ID: 1980814). Invitae Evidence Modeling of protein sequence and biophysical properties (such as structural, functional, and spatial information, amino acid conservation, physicochemical variation, residue mobility, and thermodynamic stability) indicates that this missense variant is not expected to disrupt FLNB protein function with a negative predictive value of 95%. In summary, the available evidence is currently insufficient to determine the role of this variant in disease. Therefore, it has been classified as a Variant of Uncertain Significance.

PreventionGenetics, part of Exact Sciences
Classification: Uncertain significance for FLNB-related condition. Last evaluated: 2024-08-08. Review status: no assertion criteria provided. Collection method: clinical testing. Allele origin: germline. Not counted in ClinVar's aggregate classification.
Comment: The FLNB c.6613A>G variant is predicted to result in the amino acid substitution p.Arg2205Gly. To our knowledge, this variant has not been reported in the literature. This variant is reported in 0.0018% of alleles in individuals of European (Non-Finnish) descent in gnomAD. At this time, the clinical significance of this variant is uncertain due to the absence of conclusive functional and genetic evidence.

NM_001457.4(FLNB):c.6613A>G (p.Arg2205Gly)

Gene: FLNB (filamin B; plus strand). Cytogenetic location: 3p14.3.
Variant type: single nucleotide variant.
Coding change: c.6613A>G on transcript NM_001457.4 (MANE Select); coding-DNA position 6613, A replaced by G.
Protein change: p.Arg2205Gly; replaces arginine 2205 with glycine.
Molecular consequence: missense variant.
Genome position (GRCh38, 1-based): chr3:58,153,620, A>G. VCF-style: chr3-58153620-A-G. GRCh37 (hg19) VCF-style: chr3-58139347-A-G.
Other names: c.6706A>G, p.Arg2236Gly (NM_001164317.2); c.6580A>G, p.Arg2194Gly (NM_001164318.2); c.6541A>G, p.Arg2181Gly (NM_001164319.2); c.6613A>G (NM_001457.3); short protein forms R2205G, R2236G, R2181G, R2194G.
Identifiers: ClinVar variation 1980814 (VCV001980814.5), dbSNP rs145233541, ClinGen allele CA75476143.